The following is an entry in ClinVar:

ClinVar aggregate classification (germline): Uncertain significance (1 of 4 stars; one submission).

Conditions:
Inborn genetic diseases. Identifiers: MedGen C0950123, MeSH D030342.

Allele frequency attached by ClinVar (database versions not stated): gnomAD 0.00001.
gnomAD v4.1: 1 of 1,210,835 alleles (0.000083%); highest among the groups gnomAD compares: Non-Finnish European, 0.00011%; no homozygotes.

Submission:

Ambry Genetics
Classification: Uncertain significance for Inborn genetic diseases. Last evaluated: 2022-11-15. Review status: criteria provided, single submitter. Criteria: Ambry Variant Classification Scheme 2023. Collection method: clinical testing. Allele origin: germline.
Comment: The c.2431-3C>A intronic alteration consists of a C to A substitution 3 nucleotides before coding exon 21 in the RBM10 gene. Based on insufficient or conflicting evidence, the clinical significance of this alteration remains unclear.

NM_005676.5(RBM10):c.2431-3C>A

Gene: RBM10 (RNA binding motif protein 10; plus strand). Cytogenetic location: Xp11.3.
Variant type: single nucleotide variant.
Coding change: c.2431-3C>A on transcript NM_005676.5 (MANE Select); 3 bases into the intron before coding-DNA position 2431, C replaced by A.
Molecular consequence: intron variant.
Genome position (GRCh38, 1-based): chrX:47,186,062, C>A. VCF-style: chrX-47186062-C-A. GRCh37 (hg19) VCF-style: chrX-47045461-C-A.
Other names: c.2626-3C>A (NM_001204468.2); c.2428-3C>A (NM_001204467.2); c.2200-3C>A (NM_001204466.2); c.2197-3C>A (NM_152856.3).
Identifiers: ClinVar variation 2323105 (VCV002323105.2), dbSNP rs1556782354, ClinGen allele CA641900300.